The following is an entry in ClinVar:

NM_138576.4(BCL11B):c.1878_1884del (p.Gly630fs)

Gene: BCL11B (BCL11 transcription factor B; minus strand). Cytogenetic location: 14q32.2.
Variant type: Deletion.
Coding change: c.1878_1884del on transcript NM_138576.4 (MANE Select); coding-DNA positions 1878 to 1884, 7 bases deleted (TGCGGCG; older notation c.1878_1884delTGCGGCG).
Protein change: p.Gly630fs; shifts the reading frame from glycine 630.
Molecular consequence: frameshift variant.
Genome position (GRCh38, 1-based): chr14:99,174,952-99,174,958, CGCCGCA deleted on the plus strand (TGCGGCG on the coding strand, the reverse complement: BCL11B is on the minus strand); deleting any 7 consecutive bases within chr14:99,174,952-99,174,961 gives the same sequence; the c. name uses the placement nearest the transcript's 3' end. VCF-style (leftmost placement, unchanged base first): chr14-99174951-CCGCCGCA-C. GRCh37 (hg19) VCF-style: chr14-99641288-CCGCCGCA-C.
Other names: c.1878_1884del (NM_138576.3); c.1875_1881del, p.Gly629fs (NM_001282237.2); c.1662_1668del, p.Gly558fs (NM_001282238.2); c.1665_1671del, p.Gly559fs (NM_022898.3); c.1878_1884delTGCGGCG (NM_138576.3); short protein forms G559fs, G630fs, G558fs, G629fs.
Identifiers: ClinVar variation 817903 (VCV000817903.3), dbSNP rs1595214545, ClinGen allele CA915946351.

ClinVar aggregate classification (germline): Pathogenic. Review status: criteria provided, multiple submitters, no conflicts (2 of 4 stars). 2 submissions from 2 submitters: Pathogenic (2). Last evaluated 2026-07-28.

Conditions:
Intellectual developmental disorder with speech delay, dysmorphic facies, and t-cell abnormalities. Also called: BCL11B-related BAFopathy. Identifiers: Orphanet 662829, MedGen C4748152, MONDO:0060763, OMIM 618092.

Submissions (2):

GeneDx
Classification: Pathogenic. Last evaluated: 2026-07-28. Review status: criteria provided, single submitter. Criteria: GeneDx Variant Classification Process June 2021. Collection method: clinical testing. Allele origin: germline.
Comment: Frameshift variant predicted to result in abnormal protein length as the last 256 amino acid(s) are replaced with 90 different amino acid(s), and other similar variants have been reported in HGMD; Not observed at significant frequency in large population cohorts (gnomAD); Has not been previously published as pathogenic or benign to our knowledge

Clinical Immunology, Karolinska University Hospital
Classification: Pathogenic for Intellectual developmental disorder with speech delay, dysmorphic facies, and t-cell abnormalities. Last evaluated: 2026-05-04. Review status: criteria provided, single submitter. Criteria: ACMG Guidelines, 2015. Collection method: clinical testing. Allele origin: germline. Inheritance: Autosomal dominant inheritance. Affected: yes.
Comment: Lower expression of BCL11B on patient T-cells and higher expression of NKp30. Previously classified as pathogenic in ClinVar.